The following is an entry in ClinVar:

ClinVar aggregate classification (germline): Uncertain significance. Review status: criteria provided, multiple submitters, no conflicts (2 of 4 stars). 2 submissions from 2 submitters: Uncertain significance (2). Last evaluated 2025-06-07.

Conditions:
Inborn genetic diseases. Identifiers: MedGen C0950123, MeSH D030342.

Allele frequency attached by ClinVar (database versions not stated): ESP Exome Variant Server 0.00008; TOPMed 0.00004; gnomAD 0.00003; ExAC 0.00006.
gnomAD v4.1: 71 of 1,612,500 alleles (0.0044%); highest among the groups gnomAD compares: Admixed American, 0.005%; no homozygotes.

Submissions (2):

Ambry Genetics
Classification: Uncertain significance for Inborn genetic diseases. Last evaluated: 2025-06-07. Review status: criteria provided, single submitter. Criteria: Ambry Variant Classification Scheme 2023. Collection method: clinical testing. Allele origin: germline.

Labcorp Genetics (formerly Invitae), Labcorp
Classification: Uncertain significance. Last evaluated: 2022-05-30. Review status: criteria provided, single submitter. Criteria: Invitae Variant Classification Sherloc (09022015). Collection method: clinical testing. Allele origin: germline.
Comment: This sequence change replaces serine, which is neutral and polar, with leucine, which is neutral and non-polar, at codon 80 of the LARS2 protein (p.Ser80Leu). This variant is present in population databases (rs374194205, gnomAD 0.08%). This variant has not been reported in the literature in individuals affected with LARS2-related conditions. Algorithms developed to predict the effect of missense changes on protein structure and function output the following: SIFT: "Tolerated"; PolyPhen-2: "Benign"; Align-GVGD: "Class C0". The leucine amino acid residue is found in multiple mammalian species, which suggests that this missense change does not adversely affect protein function. In summary, the available evidence is currently insufficient to determine the role of this variant in disease. Therefore, it has been classified as a Variant of Uncertain Significance.

NM_015340.4(LARS2):c.239C>T (p.Ser80Leu)

Gene: LARS2 (leucyl-tRNA synthetase 2, mitochondrial; plus strand). Cytogenetic location: 3p21.31.
Variant type: single nucleotide variant.
Coding change: c.239C>T on transcript NM_015340.4 (MANE Select); coding-DNA position 239, C replaced by T.
Protein change: p.Ser80Leu; replaces serine 80 with leucine.
Molecular consequence: missense variant.
Genome position (GRCh38, 1-based): chr3:45,400,249, C>T. VCF-style: chr3-45400249-C-T. GRCh37 (hg19) VCF-style: chr3-45441741-C-T.
Other names: c.239C>T, p.Ser80Leu (NM_001368263.1); c.239C>T (NM_015340.3); short protein forms S80L.
Identifiers: ClinVar variation 2161184 (VCV002161184.3), dbSNP rs374194205, ClinGen allele CA2349243.